The following is an entry in ClinVar:

ClinVar aggregate classification (germline): Benign. Review status: criteria provided, multiple submitters, no conflicts (2 of 4 stars). 5 submissions from 5 submitters: Benign (5). Last evaluated 2026-01-26.

Conditions:
Cataract 12 multiple types. Identifiers: Orphanet 91492, MedGen C3808115, MONDO:0012701, OMIM 611597.

Allele frequency attached by ClinVar (database versions not stated): ESP Exome Variant Server 0.04014; gnomAD 0.04120 and 0.04138; gnomAD exomes 0.04367 and 0.04470; 1000 Genomes Project 30x 0.03264; 1000 Genomes Project 0.03335; TOPMed 0.04113; ExAC 0.04766.
gnomAD v4.1: 70,192 of 1,612,172 alleles (4.4%); highest among the groups gnomAD compares: Middle Eastern, 7.1%; 1,686 homozygotes.

Submissions (5):

Labcorp Genetics (formerly Invitae), Labcorp
Classification: Benign for Cataract 12 multiple types. Last evaluated: 2026-01-26. Review status: criteria provided, single submitter. Criteria: Invitae Variant Classification Sherloc (09022015). Collection method: clinical testing. Allele origin: germline.

GeneDx
Classification: Benign. Last evaluated: 2018-09-07. Review status: criteria provided, single submitter. Criteria: GeneDx Variant Classification Process June 2021. Collection method: clinical testing. Allele origin: germline. Affected: yes.

Illumina Laboratory Services, Illumina
Classification: Benign for Cataract 12 multiple types. Last evaluated: 2018-01-13. Review status: criteria provided, single submitter. Criteria: ICSL Variant Classification Criteria 13 December 2019. Collection method: clinical testing. Allele origin: germline.
Comment: This variant was observed in the ICSL laboratory as part of a predisposition screen in an ostensibly healthy population. It had not been previously curated by ICSL or reported in the Human Gene Mutation Database (HGMD: prior to June 1st, 2018), and was therefore a candidate for classification through an automated scoring system. Utilizing variant allele frequency, disease prevalence and penetrance estimates, and inheritance mode, an automated score was calculated to assess if this variant is too frequent to cause the disease. Based on the score and internal cut-off values, a variant classified as benign is not then subjected to further curation. The score for this variant resulted in a classification of benign for this disease.

Breakthrough Genomics
Classification: Benign. Review status: criteria provided, single submitter. Criteria: ACMG Guidelines, 2015. Collection method: not provided. Allele origin: germline. Inheritance: Autosomal dominant inheritance. Affected: yes.

PreventionGenetics, part of Exact Sciences
Classification: Benign. Review status: criteria provided, single submitter. Criteria: ACMG Guidelines, 2015. Collection method: clinical testing. Allele origin: germline.

NM_003571.4(BFSP2):c.1220C>A (p.Ala407Asp)

Genes: BFSP2 (beaded filament structural protein 2; plus strand), BFSP2-AS1 (BFSP2 antisense RNA 1; minus strand). Cytogenetic location: 3q22.1.
Variant type: single nucleotide variant.
Coding change: c.1220C>A on transcript NM_003571.4 (MANE Select); coding-DNA position 1220, C replaced by A.
Protein change: p.Ala407Asp; replaces alanine 407 with aspartic acid.
Molecular consequence: missense variant.
Genome position (GRCh38, 1-based): chr3:133,472,541, C>A. VCF-style: chr3-133472541-C-A. GRCh37 (hg19) VCF-style: chr3-133191385-C-A.
Other names: short protein forms A407D.
Identifiers: ClinVar variation 259089 (VCV000259089.17), dbSNP rs79087781, ClinGen allele CA2623483.